The following is an entry in ClinVar:

NM_001042492.3(NF1):c.3915dup (p.Arg1306fs)

Gene: NF1 (neurofibromin 1; plus strand). Cytogenetic location: 17q11.2.
Variant type: Duplication.
Coding change: c.3915dup on transcript NM_001042492.3 (MANE Select); coding-DNA position 3915, one base duplicated (A; older notation c.3915dupA).
Protein change: p.Arg1306fs; shifts the reading frame from arginine 1306.
Molecular consequence: frameshift variant.
Genome position (GRCh38, 1-based): chr17:31,235,962, A duplicated. VCF-style (leftmost placement, unchanged base first): chr17-31235961-T-TA. GRCh37 (hg19) VCF-style: chr17-29562979-T-TA.
Other names: c.3915dup, p.Arg1306Thrfs (NM_000267.4); short protein forms R1306fs.
Identifiers: ClinVar variation 1998140 (VCV001998140.4), dbSNP rs2508264433, ClinGen allele CA2580093113.
Genomic context (GRCh38, chr17:31,235,961, plus strand): 5'-TTCGTGCATTTCTGTAGGTATATGGTGCTACCTATCTACAAAAACTCCTGGATCCTTTAT[T>TA]ACGAATTGTGATCACATCCTCTGATTGGCAACATGTTAGCTTTGAAGTGGATCCTACCAG-3'

ClinVar aggregate classification (germline): Pathogenic (1 of 4 stars; one submission).

Conditions:
Neurofibromatosis, type 1 (NF1). Also called: Neurofibromatosis, type I; Peripheral type neurofibromatosis; NEUROFIBROMATOSIS, TYPE I, SOMATIC; VON RECKLINGHAUSEN DISEASE. Identifiers: Orphanet 636, MedGen C0027831, MONDO:0018975, OMIM 162200. Disease mechanism: loss of function.

Submission:

Labcorp Genetics (formerly Invitae), Labcorp
Classification: Pathogenic for Neurofibromatosis, type 1. Last evaluated: 2022-09-01. Review status: criteria provided, single submitter. Criteria: Invitae Variant Classification Sherloc (09022015). Collection method: clinical testing. Allele origin: germline.
Comment: This sequence change creates a premature translational stop signal (p.Arg1306Thrfs*8) in the NF1 gene. It is expected to result in an absent or disrupted protein product. Loss-of-function variants in NF1 are known to be pathogenic (PMID: 10712197, 23913538). This variant is not present in population databases (gnomAD no frequency). This variant has not been reported in the literature in individuals affected with NF1-related conditions. For these reasons, this variant has been classified as Pathogenic.

Literature cited by the submitters: PubMed 10712197; PubMed 23913538.